The following is an entry in ClinVar:

ClinVar aggregate classification (germline): Uncertain significance (1 of 4 stars; one submission).

Allele frequency attached by ClinVar (database versions not stated): gnomAD 0.00001.

Submission:

Labcorp Genetics (formerly Invitae), Labcorp
Classification: Uncertain significance. Last evaluated: 2021-06-24. Review status: criteria provided, single submitter. Criteria: Invitae Variant Classification Sherloc (09022015). Collection method: clinical testing. Allele origin: germline.
Comment: This sequence change replaces serine with arginine at codon 1086 of the GPR179 protein (p.Ser1086Arg). The serine residue is moderately conserved and there is a moderate physicochemical difference between serine and arginine. This variant is not present in population databases (ExAC no frequency). This variant has not been reported in the literature in individuals with GPR179-related conditions. Algorithms developed to predict the effect of missense changes on protein structure and function are either unavailable or do not agree on the potential impact of this missense change (SIFT: "Deleterious"; PolyPhen-2: "Possibly Damaging"; Align-GVGD: "Class C0"). In summary, the available evidence is currently insufficient to determine the role of this variant in disease. Therefore, it has been classified as a Variant of Uncertain Significance.

NM_001004334.4(GPR179):c.3258C>G (p.Ser1086Arg)

Gene: GPR179 (G protein-coupled receptor 179; minus strand). Cytogenetic location: 17q12.
Variant type: single nucleotide variant.
Coding change: c.3258C>G on transcript NM_001004334.4 (MANE Select); coding-DNA position 3258, C replaced by G.
Protein change: p.Ser1086Arg; replaces serine 1086 with arginine.
Molecular consequence: missense variant.
Genome position (GRCh38, 1-based): chr17:38,330,311, G>C on the plus strand (C>G on the coding strand, the complement: GPR179 is on the minus strand). VCF-style: chr17-38330311-G-C. GRCh37 (hg19) VCF-style: chr17-36486194-G-C.
Other names: short protein forms S1086R.
Identifiers: ClinVar variation 1463596 (VCV001463596.8), dbSNP rs2037341241, ClinGen allele CA398880215.